The following is an entry in ClinVar:

NM_001267550.2(TTN):c.46489G>T (p.Val15497Phe)

Genes: TTN (titin; minus strand), TTN-AS1 (TTN antisense RNA 1; plus strand). Cytogenetic location: 2q31.2.
Variant type: single nucleotide variant.
Coding change: c.46489G>T on transcript NM_001267550.2 (MANE Select); coding-DNA position 46489, G replaced by T.
Protein change: p.Val15497Phe; replaces valine 15497 with phenylalanine.
Molecular consequence: missense variant. On other transcripts: non-coding transcript variant (1).
Genome position (GRCh38, 1-based): chr2:178,619,828, C>A on the plus strand (G>T on the coding strand, the complement: TTN is on the minus strand). VCF-style: chr2-178619828-C-A. GRCh37 (hg19) VCF-style: chr2-179484555-C-A.
Other names: p.Val13856Phe; c.41566G>T, p.Val13856Phe (NM_001256850.1); c.19294G>T, p.Val6432Phe (NM_003319.4); c.19669G>T, p.Val6557Phe (NM_133432.3); c.19870G>T, p.Val6624Phe (NM_133437.4); c.38785G>T, p.Val12929Phe (NM_133378.4); c.46489G>T (NM_001267550.1); short protein forms V12929F, V15497F, V6432F, V6557F, V6624F, V13856F.
Identifiers: ClinVar variation 229439 (VCV000229439.36), dbSNP rs371299188, ClinGen allele CA1995228.

ClinVar aggregate classification (germline): Conflicting classifications of pathogenicity. Review status: criteria provided, conflicting classifications (1 of 4 stars). 12 submissions from 12 submitters: Uncertain significance (4); Likely benign (6). 2 of the submissions do not count toward it. Last evaluated 2026-05-01.

Conditions:
Cardiovascular phenotype. Identifiers: MedGen CN230736.
Autosomal recessive limb-girdle muscular dystrophy type 2J (LGMDR10). Also called: Limb-girdle muscular dystrophy, type 2J; MUSCULAR DYSTROPHY, LIMB-GIRDLE, AUTOSOMAL RECESSIVE 10. Identifiers: Orphanet 140922, MedGen C1837342, MONDO:0012127, OMIM 608807.
Dilated cardiomyopathy 1G (CMD1G). Identifiers: Orphanet 154, MedGen C1858763, MONDO:0011400, OMIM 604145.
Cardiomyopathy (CMYO). Also called: Cardiomyopathies. Identifiers: Orphanet 167848, MedGen C0878544, MONDO:0004994, HP:0001638. Inheritance: Various modes of inheritance.

Allele frequency attached by ClinVar (database versions not stated): gnomAD exomes 0.00003 and 0.00008; gnomAD 0.00004 and 0.00005; TOPMed 0.00004; ExAC 0.00014; 1000 Genomes Project 30x 0.00047; 1000 Genomes Project 0.00060.
gnomAD v4.1: 52 of 1,612,212 alleles (0.0032%); highest among the groups gnomAD compares: East Asian, 0.047%; 1 homozygote.

Submissions (13):

CeGaT Center for Human Genetics Tuebingen
Classification: Uncertain significance. Last evaluated: 2026-05-01. Review status: criteria provided, single submitter. Criteria: CeGaT Center For Human Genetics Tuebingen Variant Classification Criteria Version 2. Collection method: clinical testing. Allele origin: germline. Affected: yes. Observed: 1 variant allele.
Comment: TTN: PM2

Labcorp Genetics (formerly Invitae), Labcorp
Classification: Likely benign for Dilated cardiomyopathy 1G; Autosomal recessive limb-girdle muscular dystrophy type 2J. Last evaluated: 2026-02-01. Review status: criteria provided, single submitter. Criteria: Invitae Variant Classification Sherloc (09022015). Collection method: clinical testing. Allele origin: germline.

Mayo Clinic Laboratories, Mayo Clinic
Classification: Likely benign. Last evaluated: 2025-05-28. Review status: criteria provided, single submitter. Criteria: ACMG Guidelines, 2015. Collection method: clinical testing. Allele origin: germline. Observed: 2 variant alleles.
Comment: BS1, BP1

Revvity Omics, Revvity
Classification: Uncertain significance. Last evaluated: 2025-04-07. Review status: criteria provided, single submitter. Criteria: ACMG Guidelines, 2015. Collection method: clinical testing. Allele origin: germline.

Blueprint Genetics
Classification: Likely benign. Last evaluated: 2024-04-09. Review status: criteria provided, single submitter. Criteria: ACMG Guidelines, 2015. Collection method: clinical testing. Allele origin: germline.

CHEO Genetics Diagnostic Laboratory, Children's Hospital of Eastern Ontario
Classification: Likely benign for Cardiomyopathy. Last evaluated: 2020-09-01. Review status: criteria provided, single submitter. Criteria: ACMG Guidelines, 2015. Collection method: clinical testing. Allele origin: germline.

Ambry Genetics
Classification: Likely benign for Cardiovascular phenotype. Last evaluated: 2020-05-12. Review status: criteria provided, single submitter. Criteria: Ambry Variant Classification Scheme 2023. Collection method: clinical testing. Allele origin: germline.

GeneDx
Classification: Likely benign. Last evaluated: 2019-02-22. Review status: criteria provided, single submitter. Criteria: GeneDx Variant Classification Process June 2021. Collection method: clinical testing. Allele origin: germline. Affected: yes.
Comment: See Variant Classification Assertion Criteria.

Eurofins Ntd Llc (ga)
Classification: Uncertain significance. Last evaluated: 2017-12-06. Review status: criteria provided, single submitter. Criteria: EGL Classification Definitions 2015. Collection method: clinical testing. Allele origin: germline. Observed: 1 variant allele, 1 heterozygote.

Laboratory for Molecular Medicine, Mass General Brigham Personalized Medicine
Classification: Uncertain significance. Last evaluated: 2015-03-11. Review status: criteria provided, single submitter. Criteria: LMM Criteria. Collection method: clinical testing. Allele origin: germline. Observed: 1 variant allele.
Comment: Variant classified as Uncertain Significance - Favor Benign. The p.Val12929Phe v ariant in TTN has not been previously reported in individuals with cardiomyopath y, but has been identified in 0.1% (10/8450) of East Asian chromosomes by the Ex ome Aggregation Consortium (ExAC; dbSNP rs371299 188). Computational prediction tools and conservation analysis suggest that this variant may impact the protein, though this information is not predictive enoug h to determine pathogenicity. In summary, while the clinical significance of th e p.Val12929Phe variant is uncertain, its frequency suggests that it is more lik ely to be benign.

Dr. Peter K. Rogan Lab, Western University
No classification provided (evidence only). Condition: Gastric cancer. Review status: no classification provided. Collection method: in vitro. Allele origin: not applicable. Functional consequence: retained intron. Not counted in ClinVar's aggregate classification.

Genome Diagnostics Laboratory, University Medical Center Utrecht
Classification: Likely benign. Review status: no assertion criteria provided. Collection method: clinical testing. Allele origin: germline. Affected: yes. Study: VKGL Data-share Consensus. Not counted in ClinVar's aggregate classification.

Joint Genome Diagnostic Labs from Nijmegen and Maastricht, Radboudumc and MUMC+
Classification: Benign. Review status: no assertion criteria provided. Collection method: clinical testing. Allele origin: germline. Affected: yes. Study: VKGL Data-share Consensus. Not counted in ClinVar's aggregate classification.

Literature cited by the submitters: PubMed 28704380 (cited by Mayo Clinic Laboratories, Mayo Clinic and Ambry Genetics).